The following is an entry in ClinVar:

NM_001244008.2(KIF1A):c.759G>C (p.Glu253Asp)

Gene: KIF1A (kinesin family member 1A; minus strand). Cytogenetic location: 2q37.3.
Variant type: single nucleotide variant.
Coding change: c.759G>C on transcript NM_001244008.2 (MANE Select); coding-DNA position 759, G replaced by C.
Protein change: p.Glu253Asp; replaces glutamic acid 253 with aspartic acid.
Molecular consequence: missense variant.
Genome position (GRCh38, 1-based): chr2:240,783,778, C>G on the plus strand (G>C on the coding strand, the complement: KIF1A is on the minus strand). VCF-style: chr2-240783778-C-G. GRCh37 (hg19) VCF-style: chr2-241723195-C-G.
Other names: c.759G>C, p.Glu253Asp (NM_001320705.2, NM_001330289.2, NM_001330290.2 and 20 more transcripts); short protein forms E253D.
Identifiers: ClinVar variation 1486265 (VCV001486265.8), dbSNP rs762126771, ClinGen allele CA351303132.

ClinVar aggregate classification (germline): Likely pathogenic (1 of 4 stars; one submission).

Conditions:
Hereditary spastic paraplegia 30. Identifiers: Orphanet 101010, MedGen C5235139, MONDO:0012476.
Neuropathy, hereditary sensory, type 2C. Also called: KIF1A-Related HSAN2 (HSAN2C); Hereditary sensory and autonomic neuropathy type IIC. Identifiers: Orphanet 970, MedGen C3280168, MONDO:0013634, OMIM 614213.
Intellectual disability, autosomal dominant 9 (NESCAVS). Also called: KIF1A-Related Neurodevelopmental Disorder; NESCAV SYNDROME. Identifiers: Orphanet 662367, MedGen C5393830, MONDO:0013656, OMIM 614255.

Submission:

Labcorp Genetics (formerly Invitae), Labcorp
Classification: Likely pathogenic for Hereditary spastic paraplegia 30; Neuropathy, hereditary sensory, type 2C; Intellectual disability, autosomal dominant 9. Last evaluated: 2024-09-23. Review status: criteria provided, single submitter. Criteria: Invitae Variant Classification Sherloc (09022015). Collection method: clinical testing. Allele origin: germline.
Comment: This sequence change replaces glutamic acid, which is acidic and polar, with aspartic acid, which is acidic and polar, at codon 253 of the KIF1A protein (p.Glu253Asp). This variant is not present in population databases (gnomAD no frequency). This variant has not been reported in the literature in individuals affected with KIF1A-related conditions. ClinVar contains an entry for this variant (Variation ID: 1486265). Invitae Evidence Modeling of protein sequence and biophysical properties (such as structural, functional, and spatial information, amino acid conservation, physicochemical variation, residue mobility, and thermodynamic stability) indicates that this missense variant is expected to disrupt KIF1A protein function with a positive predictive value of 95%. This variant disrupts the p.Glu253 amino acid residue in KIF1A. Other variant(s) that disrupt this residue have been determined to be pathogenic (PMID: 25265257). This suggests that this residue is clinically significant, and that variants that disrupt this residue are likely to be disease-causing. In summary, the currently available evidence indicates that the variant is pathogenic, but additional data are needed to prove that conclusively. Therefore, this variant has been classified as Likely Pathogenic.

Literature cited by the submitters: PubMed 25265257.